The following is an entry in ClinVar:

NM_001982.4(ERBB3):c.1913G>C (p.Gly638Ala)

Gene: ERBB3 (erb-b2 receptor tyrosine kinase 3; plus strand). Cytogenetic location: 12q13.2.
Variant type: single nucleotide variant.
Coding change: c.1913G>C on transcript NM_001982.4 (MANE Select); coding-DNA position 1913, G replaced by C.
Protein change: p.Gly638Ala; replaces glycine 638 with alanine.
Molecular consequence: missense variant.
Genome position (GRCh38, 1-based): chr12:56,095,310, G>C. VCF-style: chr12-56095310-G-C. GRCh37 (hg19) VCF-style: chr12-56489094-G-C.
Other names: short protein forms G638A.
Identifiers: ClinVar variation 5020776 (VCV005020776.1).

ClinVar aggregate classification (germline): Uncertain significance (1 of 4 stars; one submission).

Submission:

Dasa
Classification: Uncertain significance. Last evaluated: 2026-08-13. Review status: criteria provided, single submitter. Criteria: DASA Assertion Criteria. Collection method: clinical testing. Allele origin: germline.
Comment: NM_001982.4(ERBB3):c.1913G>C (p.Gly638Ala) is a missense variant that results in the substitution of glycine with alanine. This variant is rare in population databases. Computational prediction algorithms are consistent with a deleterious effect. The currently available literature and clinical evidence are not sufficient to establish a definitive association between this variant and the reported condition. Therefore, this variant is classified as a variant of uncertain significance.